The following is an entry in ClinVar:

ClinVar aggregate classification (germline): Likely benign (1 of 4 stars; one submission).

Conditions:
Cystic fibrosis (CF). Also called: MUCOVISCIDOSIS. Identifiers: Orphanet 586, MedGen C0010674, MONDO:0009061, OMIM 219700. Disease mechanism: loss of function.

gnomAD v4.1: 32 of 152,118 alleles (0.021%); highest among the groups gnomAD compares: Non-Finnish European, 0.043%; no homozygotes.

Submission:

Johns Hopkins Genomics, Johns Hopkins University
Classification: Likely benign for Cystic fibrosis. Last evaluated: 2024-07-12. Review status: criteria provided, single submitter. Criteria: ACMG Guidelines, 2015. Collection method: clinical testing. Allele origin: germline.
Comment: PM2, BP4, BP7

NM_000492.4(CFTR):c.1210-598C>T

Genes: CFTR (CF transmembrane conductance regulator; plus strand), CFTR-AS1 (CFTR antisense RNA 1; minus strand). Cytogenetic location: 7q31.2.
Variant type: single nucleotide variant.
Coding change: c.1210-598C>T on transcript NM_000492.4 (MANE Select); 598 bases into the intron before coding-DNA position 1210, C replaced by T.
Molecular consequence: intron variant.
Genome position (GRCh38, 1-based): chr7:117,548,043, C>T. VCF-style: chr7-117548043-C-T. GRCh37 (hg19) VCF-style: chr7-117188097-C-T.
Identifiers: ClinVar variation 4280044 (VCV004280044.1).